The following is an entry in ClinVar:

NM_004168.4(SDHA):c.497G>A (p.Gly166Glu)

Gene: SDHA (succinate dehydrogenase complex flavoprotein subunit A; plus strand). Cytogenetic location: 5p15.33.
Variant type: single nucleotide variant.
Coding change: c.497G>A on transcript NM_004168.4 (MANE Select); coding-DNA position 497, G replaced by A.
Protein change: p.Gly166Glu; replaces glycine 166 with glutamic acid.
Molecular consequence: missense variant.
Genome position (GRCh38, 1-based): chr5:225,923, G>A. VCF-style: chr5-225923-G-A. GRCh37 (hg19) VCF-style: chr5-226038-G-A.
Other names: c.353G>A, p.Gly118Glu (NM_001294332.2); c.497G>A, p.Gly166Glu (NM_001330758.2); short protein forms G118E, G166E.
Identifiers: ClinVar variation 1927476 (VCV001927476.5), dbSNP rs2477299368, ClinGen allele CA359010037.
Genomic context (GRCh38, chr5:225,923, plus strand): 5'-TTTGTTTTTATCTTTCACAGCTAGAAAATTATGGCATGCCGTTTAGCAGAACTGAAGATG[G>A]GAAGATTTATCAGCGTGCATTTGGTGGACAGAGCCTCAAGTTTGGAAAGGGCGGGCAGGC-3'
Protein context (NP_004159.2, residues 156-176): YGMPFSRTED[Gly166Glu]KIYQRAFGGQ

ClinVar aggregate classification (germline): Uncertain significance (1 of 4 stars; one submission).

Conditions:
Mitochondrial complex II deficiency, nuclear type 1. Also called: SUCCINATE CoQ REDUCTASE DEFICIENCY. Identifiers: Orphanet 3208, MedGen C5700310, MONDO:0100294, OMIM 252011.
Pheochromocytoma/paraganglioma syndrome 5. Also called: Paragangliomas 5; SDHA-Related Hereditary Paraganglioma-Pheochromocytoma Syndrome. Identifiers: Orphanet 29072, MedGen C3279992, MONDO:0013602, OMIM 614165.

Submission:

Labcorp Genetics (formerly Invitae), Labcorp
Classification: Uncertain significance for Pheochromocytoma/paraganglioma syndrome 5; Mitochondrial complex II deficiency, nuclear type 1. Last evaluated: 2024-11-02. Review status: criteria provided, single submitter. Criteria: Invitae Variant Classification Sherloc (09022015). Collection method: clinical testing. Allele origin: germline.
Comment: This sequence change replaces glycine, which is neutral and non-polar, with glutamic acid, which is acidic and polar, at codon 166 of the SDHA protein (p.Gly166Glu). This variant is not present in population databases (gnomAD no frequency). This variant has not been reported in the literature in individuals affected with SDHA-related conditions. ClinVar contains an entry for this variant (Variation ID: 1927476). Invitae Evidence Modeling of protein sequence and biophysical properties (such as structural, functional, and spatial information, amino acid conservation, physicochemical variation, residue mobility, and thermodynamic stability) has been performed for this missense variant. However, the output from this modeling did not meet the statistical confidence thresholds required to predict the impact of this variant on SDHA protein function. In summary, the available evidence is currently insufficient to determine the role of this variant in disease. Therefore, it has been classified as a Variant of Uncertain Significance.